The following is an entry in ClinVar:

ClinVar aggregate classification (germline): Uncertain significance. Review status: criteria provided, multiple submitters, no conflicts (2 of 4 stars). 2 submissions from 2 submitters: Uncertain significance (2). Last evaluated 2024-09-03.

Conditions:
Pitt-Hopkins-like syndrome 2 (PTHSL2). Identifiers: Orphanet 221150, Orphanet 600663, MedGen C3280479, MONDO:0013690, OMIM 614325.

Allele frequency attached by ClinVar (database versions not stated): ExAC 0.00001; gnomAD exomes 0.00001; TOPMed 0.00002.
gnomAD v4.1: 4 of 1,584,620 alleles (0.00025%); highest among the groups gnomAD compares: African/African-American, 0.0027%; no homozygotes.

Submissions (2):

Labcorp Genetics (formerly Invitae), Labcorp
Classification: Uncertain significance for Pitt-Hopkins-like syndrome 2. Last evaluated: 2024-09-03. Review status: criteria provided, single submitter. Criteria: Invitae Variant Classification Sherloc (09022015). Collection method: clinical testing. Allele origin: germline.
Comment: This sequence change replaces glycine, which is neutral and non-polar, with alanine, which is neutral and non-polar, at codon 657 of the NRXN1 protein (p.Gly657Ala). This variant is present in population databases (rs780931684, gnomAD 0.008%). This variant has not been reported in the literature in individuals affected with NRXN1-related conditions. ClinVar contains an entry for this variant (Variation ID: 452601). An algorithm developed to predict the effect of missense changes on protein structure and function (PolyPhen-2) suggests that this variant is likely to be disruptive. In summary, the available evidence is currently insufficient to determine the role of this variant in disease. Therefore, it has been classified as a Variant of Uncertain Significance.

GeneDx
Classification: Uncertain significance. Last evaluated: 2017-10-06. Review status: criteria provided, single submitter. Criteria: GeneDx Variant Classification (06012015). Collection method: clinical testing. Allele origin: germline. Affected: yes.
Comment: The G657A variant has not been published as a pathogenic variant, nor has it been reported as a benign variant to our knowledge. The G657A variant is observed in 2/23830 (0.008%) alleles from individuals of African background (Lek et al., 2016). This substitution occurs at a position that is conserved across species. In silico analysis predicts this variant is probably damaging to the protein structure/function. However, the G657A variant is a conservative amino acid substitution, which is not likely to impact secondary protein structure as these residues share similar properties. Therefore, based on the currently available information, it is unclear whether this variant is a pathogenic variant or a rare benign variant.

NM_001330078.2(NRXN1):c.1850G>C (p.Gly617Ala)

Gene: NRXN1 (neurexin 1; minus strand). Cytogenetic location: 2p16.3.
Variant type: single nucleotide variant.
Coding change: c.1850G>C on transcript NM_001330078.2 (MANE Select); coding-DNA position 1850, G replaced by C.
Protein change: p.Gly617Ala; replaces glycine 617 with alanine.
Molecular consequence: missense variant.
Genome position (GRCh38, 1-based): chr2:50,538,546, C>G on the plus strand (G>C on the coding strand, the complement: NRXN1 is on the minus strand). VCF-style: chr2-50538546-C-G. GRCh37 (hg19) VCF-style: chr2-50765684-C-G.
Other names: c.1970G>C, p.Gly657Ala (NM_001135659.3); c.1826G>C, p.Gly609Ala (NM_001330077.2, NM_001330082.2, NM_001330095.2); c.1811G>C, p.Gly604Ala (NM_001330083.2, NM_001330084.2); c.1850G>C, p.Gly617Ala (NM_001330085.2, NM_001330086.2, NM_004801.6); c.1766G>C, p.Gly589Ala (NM_001330087.2, NM_001330096.2); c.1796G>C, p.Gly599Ala (NM_001330088.2); c.1847G>C, p.Gly616Ala (NM_001330093.2); c.1838G>C, p.Gly613Ala (NM_001330094.2); short protein forms G657A, G604A, G613A, G617A, G589A, G599A, G609A, G616A.
Identifiers: ClinVar variation 452601 (VCV000452601.5), dbSNP rs780931684, ClinGen allele CA1654966.
Genomic context (GRCh38, chr2:50,538,546, plus strand): 5'-TTGAGCAGAGCAGTCCACACCTCGGTGGGGAAGACAAGGCCAGCTTTATTTTCTGGCAGC[C>G]CCCCCAGGTACAACTCATCATCCAGGTCCAGAATCTCACTCTCACCAGGAGCAGTGTAGG-3'
Protein context (NP_001317007.1, residues 607-627): LDLDDELYLG[Gly617Ala]LPENKAGLVF